The following is an entry in ClinVar:

NM_001008216.2(GALE):c.923A>G (p.Tyr308Cys)

Gene: GALE (UDP-galactose-4-epimerase; minus strand). Cytogenetic location: 1p36.11.
Variant type: single nucleotide variant.
Coding change: c.923A>G on transcript NM_001008216.2 (MANE Select); coding-DNA position 923, A replaced by G.
Protein change: p.Tyr308Cys; replaces tyrosine 308 with cysteine.
Molecular consequence: missense variant.
Genome position (GRCh38, 1-based): chr1:23,796,216, T>C on the plus strand (A>G on the coding strand, the complement: GALE is on the minus strand). VCF-style: chr1-23796216-T-C. GRCh37 (hg19) VCF-style: chr1-24122706-T-C.
Other names: c.923A>G, p.Tyr308Cys (NM_000403.4, NM_001127621.2); short protein forms Y308C.
Identifiers: ClinVar variation 296827 (VCV000296827.8), dbSNP rs780393850, ClinGen allele CA685440.

ClinVar aggregate classification (germline): Uncertain significance. Review status: criteria provided, multiple submitters, no conflicts (2 of 4 stars). 3 submissions from 3 submitters: Uncertain significance (3). Last evaluated 2021-08-31.

Conditions:
Thrombocytopenia 13, syndromic. Also called: THROMBOCYTOPENIA, AUTOSOMAL RECESSIVE, 13. Identifiers: MedGen C5935599, MONDO:0958333, OMIM 620776.
UDPglucose-4-epimerase deficiency. Also called: UDPglucose 4-Epimerase Deficiency Disease; UDP-GALACTOSE-4-EPIMERASE DEFICIENCY; Galactose epimerase deficiency; GALACTOSEMIA III; GALE DEFICIENCY; Epimerase Deficiency Galactosemia. Identifiers: Orphanet 352, Orphanet 79238, MedGen C0751161, MONDO:0009257, OMIM 230350.

Allele frequency attached by ClinVar (database versions not stated): gnomAD exomes 0.00002 and 0.00011; gnomAD 0.00003; TOPMed 0.00003; ExAC 0.00012.
gnomAD v4.1: 27 of 1,613,986 alleles (0.0017%); highest among the groups gnomAD compares: East Asian, 0.058%; no homozygotes.

Submissions (3):

Labcorp Genetics (formerly Invitae), Labcorp
Classification: Uncertain significance for UDPglucose-4-epimerase deficiency. Last evaluated: 2021-08-31. Review status: criteria provided, single submitter. Criteria: Invitae Variant Classification Sherloc (09022015). Collection method: clinical testing. Allele origin: germline.
Comment: This sequence change replaces tyrosine with cysteine at codon 308 of the GALE protein (p.Tyr308Cys). The tyrosine residue is highly conserved and there is a large physicochemical difference between tyrosine and cysteine. This variant is present in population databases (rs780393850, ExAC 0.2%). This variant has not been reported in the literature in individuals affected with GALE-related conditions. ClinVar contains an entry for this variant (Variation ID: 296827). Algorithms developed to predict the effect of missense changes on protein structure and function (SIFT, PolyPhen-2, Align-GVGD) all suggest that this variant is likely to be disruptive. In summary, the available evidence is currently insufficient to determine the role of this variant in disease. Therefore, it has been classified as a Variant of Uncertain Significance.

Illumina Laboratory Services, Illumina
Classification: Uncertain significance for UDPglucose-4-epimerase deficiency. Last evaluated: 2018-01-13. Review status: criteria provided, single submitter. Criteria: ICSL Variant Classification Criteria 13 December 2019. Collection method: clinical testing. Allele origin: germline.

Juno Genomics, Hangzhou Juno Genomics, Inc
Classification: Uncertain significance for UDPglucose-4-epimerase deficiency; Thrombocytopenia 13, syndromic. Review status: criteria provided, single submitter. Criteria: ACMG Guidelines, 2015. Collection method: clinical testing. Allele origin: germline.
Comment: Absent from controls (or at extremely low frequency if recessive) in Genome Aggregation Database.;Multiple lines of computational evidence support a deleterious effect on the gene or gene product.;For recessive disorders, detected in trans with a pathogenic variant.